The following is an entry in ClinVar:

NM_201384.3(PLEC):c.1486G>A (p.Val496Met)

Gene: PLEC (plectin; minus strand). Cytogenetic location: 8q24.3.
Variant type: single nucleotide variant.
Coding change: c.1486G>A on transcript NM_201384.3 (MANE Select); coding-DNA position 1486, G replaced by A.
Protein change: p.Val496Met; replaces valine 496 with methionine.
Molecular consequence: missense variant.
Genome position (GRCh38, 1-based): chr8:143,933,044, C>T on the plus strand (G>A on the coding strand, the complement: PLEC is on the minus strand). VCF-style: chr8-143933044-C-T. GRCh37 (hg19) VCF-style: chr8-145007212-C-T.
Other names: c.1567G>A (NM_000445.4); c.1567G>A, p.Val523Met (NM_000445.5); c.1444G>A, p.Val482Met (NM_201378.4); c.1420G>A, p.Val474Met (NM_201379.3); c.1897G>A, p.Val633Met (NM_201380.4); c.1390G>A, p.Val464Met (NM_201381.3); c.1486G>A, p.Val496Met (NM_201382.4); c.1498G>A, p.Val500Met (NM_201383.3); short protein forms V464M, V474M, V482M, V496M, V500M, V523M, V633M.
Identifiers: ClinVar variation 1007654 (VCV001007654.6), dbSNP rs201553684, ClinGen allele CA4927943.
Genomic context (GRCh38, chr8:143,933,044, plus strand): 5'-CGGGGCGCCTCTGCACACTCTGCAGAGTCACCTGGGCCACCTGGGTTGCAGGGGCCGCCA[C>T]GCCTGCCTTCAGCCGTAGGTTGTACTCGGTGCGGATGGCTACCAGGCGCTCGTGCAGACG-3'
Protein context (NP_958786.1, residues 486-506): TEYNLRLKAG[Val496Met]AAPATQVAQV

ClinVar aggregate classification (germline): Uncertain significance. Review status: criteria provided, multiple submitters, no conflicts (2 of 4 stars). 2 submissions from 2 submitters: Uncertain significance (2). Last evaluated 2026-01-22.

Conditions:
PLEC-related disorder. Also called: PLEC-related disorders; PLEC-related condition.
Epidermolysis bullosa simplex 5B, with muscular dystrophy (EBS5B). Also called: Epidermolysis bullosa simplex with muscular dystrophy; EPIDERMOLYSIS BULLOSA SIMPLEX AND LIMB-GIRDLE MUSCULAR DYSTROPHY. Identifiers: Orphanet 257, MedGen C2931072, MONDO:0009181, OMIM 226670.
Epidermolysis bullosa simplex with nail dystrophy (EBS5D). Identifiers: MedGen C4225309, MONDO:0014661, OMIM 616487.
Epidermolysis bullosa simplex 5C, with pyloric atresia (EBS5C). Also called: PLEC-Related Epidermolysis Bullosa with Pyloric Atresia; Epidermolysis bullosa simplex with pyloric atresia; PLEC1-Related Epidermolysis Bullosa with Pyloric Atresia. Identifiers: Orphanet 158684, MedGen C2677349, MONDO:0012807, OMIM 612138.
Epidermolysis bullosa simplex, Ogna type (EBS5A). Also called: Pidermolysis bullosa simplex 5A, Ogna type; EPIDERMOLYSIS BULLOSA SIMPLEX 5A, OGNA TYPE. Identifiers: Orphanet 79401, MedGen C0432317, MONDO:0007555, OMIM 131950.
Autosomal recessive limb-girdle muscular dystrophy type 2Q (LGMDR17). Also called: MUSCULAR DYSTROPHY, LIMB-GIRDLE, AUTOSOMAL RECESSIVE 17. Identifiers: Orphanet 254361, MedGen C3150989, MONDO:0013390, OMIM 613723.

Allele frequency attached by ClinVar (database versions not stated): gnomAD 0.00002 and 0.00006; TOPMed 0.00003; ExAC 0.00006; gnomAD exomes 0.00007; 1000 Genomes Project 0.00020; 1000 Genomes Project 30x 0.00047.
gnomAD v4.1: 227 of 1,594,500 alleles (0.014%); highest among the groups gnomAD compares: East Asian, 0.49%; 1 homozygote.

Submissions (2):

PreventionGenetics, part of Exact Sciences
Classification: Uncertain significance for PLEC-related condition. Last evaluated: 2026-01-22. Review status: criteria provided, single submitter. Criteria: ACMG Guidelines, 2015. Collection method: clinical testing. Allele origin: germline.
Comment: The PLEC c.1567G>A variant is predicted to result in the amino acid substitution p.Val523Met. To our knowledge, this variant has not been reported in the literature. This variant is reported in 0.072% of alleles in individuals of East Asian descent in gnomAD. At this time, the clinical significance of this variant is uncertain due to the absence of conclusive functional and genetic evidence.

Labcorp Genetics (formerly Invitae), Labcorp
Classification: Uncertain significance for Autosomal recessive limb-girdle muscular dystrophy type 2Q; Epidermolysis bullosa simplex, Ogna type; Epidermolysis bullosa simplex with nail dystrophy; Epidermolysis bullosa simplex 5C, with pyloric atresia; Epidermolysis bullosa simplex 5B, with muscular dystrophy. Last evaluated: 2023-01-31. Review status: criteria provided, single submitter. Criteria: Invitae Variant Classification Sherloc (09022015). Collection method: clinical testing. Allele origin: germline.
Comment: Algorithms developed to predict the effect of missense changes on protein structure and function are either unavailable or do not agree on the potential impact of this missense change (SIFT: "Tolerated"; PolyPhen-2: "Not Available"; Align-GVGD: "Class C0"). In summary, the available evidence is currently insufficient to determine the role of this variant in disease. Therefore, it has been classified as a Variant of Uncertain Significance. ClinVar contains an entry for this variant (Variation ID: 1007654). This variant has not been reported in the literature in individuals affected with PLEC-related conditions. This variant is present in population databases (rs201553684, gnomAD 0.07%). This sequence change replaces valine, which is neutral and non-polar, with methionine, which is neutral and non-polar, at codon 523 of the PLEC protein (p.Val523Met).